The following is an entry in ClinVar:

NM_001371623.1(TCOF1):c.896A>G (p.Gln299Arg)

Gene: TCOF1 (treacle ribosome biogenesis factor 1; plus strand). Cytogenetic location: 5q32.
Variant type: single nucleotide variant.
Coding change: c.896A>G on transcript NM_001371623.1 (MANE Select); coding-DNA position 896, A replaced by G.
Protein change: p.Gln299Arg; replaces glutamine 299 with arginine.
Molecular consequence: missense variant.
Genome position (GRCh38, 1-based): chr5:150,374,199, A>G. VCF-style: chr5-150374199-A-G. GRCh37 (hg19) VCF-style: chr5-149753762-A-G.
Other names: c.665A>G, p.Gln222Arg (NM_000356.4, NM_001135245.2); c.896A>G, p.Gln299Arg (NM_001008657.3, NM_001135243.2, NM_001135244.2 and 1 more transcripts); short protein forms Q222R, Q299R.
Identifiers: ClinVar variation 3252766 (VCV003252766.2), dbSNP rs775924554.
Genomic context (GRCh38, chr5:150,374,199, plus strand): 5'-AGCAGGAGAGCAAGCTGCCCTTTCTTTTTCACCAGGTAAAGGCCTCTGAAAAAATTCTCC[A>G]GGTCAGAGCTGCCTCAGCCCCTGCCAAGGGGACCCCTGGGAAAGGGGCTACCCCAGCACC-3'
Protein context (NP_001358552.1, residues 289-309): SQVKASEKIL[Gln299Arg]VRAASAPAKG

ClinVar aggregate classification (germline): Uncertain significance. Review status: criteria provided, single submitter (1 of 4 stars). 2 submissions from 2 submitters: Uncertain significance (1). 1 of the submissions does not count toward it. Last evaluated 2023-06-12.

Conditions:
TCOF1-related disorder. Also called: TCOF1-related condition.

Allele frequency attached by ClinVar (database versions not stated): TOPMed 0.00001; gnomAD 0.00002.
gnomAD v4.1: 5 of 1,612,532 alleles (0.00031%); highest among the groups gnomAD compares: African/African-American, 0.0067%; no homozygotes.

Submissions (2):

GeneDx
Classification: Uncertain significance. Last evaluated: 2023-06-12. Review status: criteria provided, single submitter. Criteria: GeneDx Variant Classification Process June 2021. Collection method: clinical testing. Allele origin: germline. Affected: yes.
Comment: In silico analysis supports that this missense variant has a deleterious effect on protein structure/function; Has not been previously published as pathogenic or benign to our knowledge

PreventionGenetics, part of Exact Sciences
Classification: Uncertain significance for TCOF1-related condition. Last evaluated: 2024-03-05. Review status: no assertion criteria provided. Collection method: clinical testing. Allele origin: germline. Not counted in ClinVar's aggregate classification.
Comment: The TCOF1 c.896A>G variant is predicted to result in the amino acid substitution p.Gln299Arg. To our knowledge, this variant has not been reported in the literature. This variant is reported in 0.0068% of alleles in individuals of African descent in gnomAD. At this time, the clinical significance of this variant is uncertain due to the absence of conclusive functional and genetic evidence.